The following is an entry in ClinVar:

ClinVar aggregate classification (germline): Uncertain significance (1 of 4 stars; one submission).

gnomAD v4.1: 16 of 1,611,072 alleles (0.00099%); highest among the groups gnomAD compares: South Asian, 0.0044%; no homozygotes.

Submission:

Ambry Genetics
Classification: Uncertain significance. Last evaluated: 2024-11-28. Review status: criteria provided, single submitter. Criteria: Ambry Variant Classification Scheme 2023. Collection method: clinical testing. Allele origin: germline.
Comment: The p.P797L variant (also known as c.2390C>T), located in coding exon 11 of the WNK2 gene, results from a C to T substitution at nucleotide position 2390. The proline at codon 797 is replaced by leucine, an amino acid with similar properties. This amino acid position is conserved. In addition, this alteration is predicted to be tolerated by in silico analysis. Based on the available evidence, the clinical significance of this variant remains unclear.

NM_006648.4(WNK2):c.2390C>T (p.Pro797Leu)

Gene: WNK2 (WNK lysine deficient protein kinase 2; plus strand). Cytogenetic location: 9q22.31.
Variant type: single nucleotide variant.
Coding change: c.2390C>T on transcript NM_006648.4 (MANE Select); coding-DNA position 2390, C replaced by T.
Protein change: p.Pro797Leu; replaces proline 797 with leucine.
Molecular consequence: missense variant.
Genome position (GRCh38, 1-based): chr9:93,258,938, C>T. VCF-style: chr9-93258938-C-T. GRCh37 (hg19) VCF-style: chr9-96021220-C-T.
Other names: c.2390C>T, p.Pro797Leu (NM_001282394.3); short protein forms P797L.
Identifiers: ClinVar variation 3470500 (VCV003470500.1).
Genomic context (GRCh38, chr9:93,258,938, plus strand): 5'-GGGCAGGGACCCTGGTTGGGGCCCACACTGACACACTCCTGTGTCTCTTTCAGATGCCCC[C>T]GATTCCTGTTGTGCCCCCCATCACGCCCCTGGCGGGAATCGACGGCCTCCCTCCGGCCCT-3'
Protein context (NP_006639.3, residues 787-807): PLAQVPPQMP[Pro797Leu]IPVVPPITPL